The following is an entry in ClinVar:

NM_198407.2(GHSR):c.533T>C (p.Ile178Thr)

Gene: GHSR (growth hormone secretagogue receptor; minus strand). Cytogenetic location: 3q26.31.
Variant type: single nucleotide variant.
Coding change: c.533T>C on transcript NM_198407.2 (MANE Select); coding-DNA position 533, T replaced by C.
Protein change: p.Ile178Thr; replaces isoleucine 178 with threonine.
Molecular consequence: missense variant.
Genome position (GRCh38, 1-based): chr3:172,447,881, A>G on the plus strand (T>C on the coding strand, the complement: GHSR is on the minus strand). VCF-style: chr3-172447881-A-G. GRCh37 (hg19) VCF-style: chr3-172165671-A-G.
Other names: c.533T>C, p.Ile178Thr (NM_004122.2); short protein forms I178T.
Identifiers: ClinVar variation 2178414 (VCV002178414.1), dbSNP rs1035352131, ClinGen allele CA87785374.

ClinVar aggregate classification (germline): Uncertain significance (1 of 4 stars; one submission).

Allele frequency attached by ClinVar (database versions not stated): gnomAD 0.00002; TOPMed 0.00002.
gnomAD v4.1: 15 of 1,613,364 alleles (0.00093%); highest among the groups gnomAD compares: African/African-American, 0.0013%; no homozygotes.

Submission:

Labcorp Genetics (formerly Invitae), Labcorp
Classification: Uncertain significance. Last evaluated: 2022-08-24. Review status: criteria provided, single submitter. Criteria: Invitae Variant Classification Sherloc (09022015). Collection method: clinical testing. Allele origin: germline.
Comment: This sequence change replaces isoleucine, which is neutral and non-polar, with threonine, which is neutral and polar, at codon 178 of the GHSR protein (p.Ile178Thr). This variant is present in population databases (no rsID available, gnomAD 0.003%). This variant has not been reported in the literature in individuals affected with GHSR-related conditions. Algorithms developed to predict the effect of missense changes on protein structure and function are either unavailable or do not agree on the potential impact of this missense change (SIFT: "Tolerated"; PolyPhen-2: "Possibly Damaging"; Align-GVGD: "Class C0"). In summary, the available evidence is currently insufficient to determine the role of this variant in disease. Therefore, it has been classified as a Variant of Uncertain Significance.